The following is an entry in ClinVar:

NM_000070.3(CAPN3):c.1914+1GT[3]

Gene: CAPN3 (calpain 3; plus strand). Cytogenetic location: 15q15.1.
Variant type: Microsatellite.
Coding change: c.1914+1GT[3] on transcript NM_000070.3 (MANE Select); three copies in a row of the 2-base unit GT starting at c.1914+1; the reference has two copies in a row; one copy, 2 bases duplicated.
Molecular consequence: splice donor variant. On other transcripts: intron variant (3).
Genome position (GRCh38, 1-based): chr15:42,408,327-42,408,328, GT duplicated; duplicating any 2 consecutive bases within chr15:42,408,325-42,408,328 gives the same sequence; the position shown is the placement nearest the transcript's 3' end. VCF-style (leftmost placement, unchanged base first): chr15-42408324-G-GGT. GRCh37 (hg19) VCF-style: chr15-42700522-G-GGT.
Other names: c.1896+1GT[3] (NM_024344.2); c.1639-978GT[3] (NM_173087.2); c.378+1GT[3] (NM_173088.2); c.-81-978GT[3] (NM_173090.2, NM_173089.2).
Identifiers: ClinVar variation 5002668 (VCV005002668.1).
Genomic context (GRCh38, chr15:42,408,324, plus strand): 5'-CCAGGAGTCAGAGGAGGGCAAAGGCAAAACAAGCCCTGATAAGCAAAAGCAGTCCCCACA[G>GGT]GTGTCTGGGCATGTGGCATGGGTGGGGTGGCCAGCACGCTACAGGGGCTTCCTATGCGCT-3'

ClinVar aggregate classification (germline): Uncertain significance (1 of 4 stars; one submission).

Conditions:
Muscular dystrophy, limb-girdle, autosomal dominant 4. Also called: MUSCULAR DYSTROPHY, LIMB-GIRDLE, TYPE 1I; Calpain-3-related limb-girdle muscular dystrophy D4. Identifiers: Orphanet 565909, MedGen C4748295, MONDO:0029133, OMIM 618129.

Submission:

OLLIN Analises Genomicas, OLLIN
Classification: Uncertain significance for Muscular dystrophy, limb-girdle, autosomal dominant 4. Last evaluated: 2026-08-06. Review status: criteria provided, single submitter. Criteria: ACMG Guidelines 2015 PMID 25741868. Collection method: clinical testing. Allele origin: germline. Inheritance: Autosomal dominant inheritance.
Comment: This frameshift variant, is absent from gnomAD and ClinVar and has not been identified in the literature. This variant causes a frameshift and introduces a premature stop codon, which is predicted to result in either a truncated protein or degradation of the mRNA via nonsense-mediated decay (NMD). According to the currently available evidence, this variant has been classified as uncertain significance (PM2_P).